The following is an entry in ClinVar:

NM_032578.4(MYPN):c.1292T>C (p.Ile431Thr)

Gene: MYPN (myopalladin; plus strand). Cytogenetic location: 10q21.3.
Variant type: single nucleotide variant.
Coding change: c.1292T>C on transcript NM_032578.4 (MANE Select); coding-DNA position 1292, T replaced by C.
Protein change: p.Ile431Thr; replaces isoleucine 431 with threonine.
Molecular consequence: missense variant. On other transcripts: non-coding transcript variant (2).
Genome position (GRCh38, 1-based): chr10:68,150,086, T>C. VCF-style: chr10-68150086-T-C. GRCh37 (hg19) VCF-style: chr10-69909843-T-C.
Other names: c.1292T>C, p.Ile431Thr (NM_001256267.2); c.410T>C, p.Ile137Thr (NM_001256268.2); short protein forms I431T, I137T.
Identifiers: ClinVar variation 2817702 (VCV002817702.3), dbSNP rs2495619699, ClinGen allele CA376833479.

ClinVar aggregate classification (germline): Uncertain significance (1 of 4 stars; one submission).

Conditions:
Dilated cardiomyopathy 1KK (CMD1KK). Identifiers: Orphanet 154, Orphanet 75249, MedGen C3714995, MONDO:0014100, OMIM 615248.

Submission:

Labcorp Genetics (formerly Invitae), Labcorp
Classification: Uncertain significance for Dilated cardiomyopathy 1KK. Last evaluated: 2023-02-22. Review status: criteria provided, single submitter. Criteria: Invitae Variant Classification Sherloc (09022015). Collection method: clinical testing. Allele origin: germline.
Comment: This sequence change replaces isoleucine, which is neutral and non-polar, with threonine, which is neutral and polar, at codon 431 of the MYPN protein (p.Ile431Thr). This variant is not present in population databases (gnomAD no frequency). This variant has not been reported in the literature in individuals affected with MYPN-related conditions. An algorithm developed to predict the effect of missense changes on protein structure and function (PolyPhen-2) suggests that this variant is likely to be tolerated. In summary, the available evidence is currently insufficient to determine the role of this variant in disease. Therefore, it has been classified as a Variant of Uncertain Significance.